The following is an entry in ClinVar:

NM_003803.4(MYOM1):c.3392G>A (p.Gly1131Asp)

Gene: MYOM1 (myomesin 1; minus strand). Cytogenetic location: 18p11.31.
Variant type: single nucleotide variant.
Coding change: c.3392G>A on transcript NM_003803.4 (MANE Select); coding-DNA position 3392, G replaced by A.
Protein change: p.Gly1131Asp; replaces glycine 1131 with aspartic acid.
Molecular consequence: missense variant.
Genome position (GRCh38, 1-based): chr18:3,112,324, C>T on the plus strand (G>A on the coding strand, the complement: MYOM1 is on the minus strand). VCF-style: chr18-3112324-C-T. GRCh37 (hg19) VCF-style: chr18-3112322-C-T.
Other names: c.3104G>A, p.Gly1035Asp (NM_019856.2); short protein forms G1035D, G1131D.
Identifiers: ClinVar variation 1462065 (VCV001462065.6), dbSNP rs761342329, ClinGen allele CA8874316.

ClinVar aggregate classification (germline): Uncertain significance (1 of 4 stars; one submission).

Conditions:
Hypertrophic cardiomyopathy. Also called: HYPERTROPHIC MYOCARDIOPATHY. Identifiers: Orphanet 217569, MedGen C0007194, MeSH D002312, MONDO:0005045, HP:0001639.

Allele frequency attached by ClinVar (database versions not stated): gnomAD exomes below 0.00001; ExAC 0.00001; gnomAD 0.00001.
gnomAD v4.1: 6 of 1,612,710 alleles (0.00037%); highest among the groups gnomAD compares: Non-Finnish European, 0.00051%; no homozygotes.

Submission:

Labcorp Genetics (formerly Invitae), Labcorp
Classification: Uncertain significance for Hypertrophic cardiomyopathy. Last evaluated: 2025-06-30. Review status: criteria provided, single submitter. Criteria: Invitae Variant Classification Sherloc (09022015). Collection method: clinical testing. Allele origin: germline.
Comment: This sequence change replaces glycine, which is neutral and non-polar, with aspartic acid, which is acidic and polar, at codon 1131 of the MYOM1 protein (p.Gly1131Asp). This variant is present in population databases (rs761342329, gnomAD 0.0009%). This variant has not been reported in the literature in individuals affected with MYOM1-related conditions. ClinVar contains an entry for this variant (Variation ID: 1462065). Invitae Evidence Modeling of protein sequence and biophysical properties (such as structural, functional, and spatial information, amino acid conservation, physicochemical variation, residue mobility, and thermodynamic stability) indicates that this missense variant is not expected to disrupt MYOM1 protein function with a negative predictive value of 80%. In summary, the available evidence is currently insufficient to determine the role of this variant in disease. Therefore, it has been classified as a Variant of Uncertain Significance.